The following is an entry in ClinVar:

NM_006516.4(SLC2A1):c.276-2A>G

Gene: SLC2A1 (solute carrier family 2 member 1; minus strand). Cytogenetic location: 1p34.2.
Variant type: single nucleotide variant.
Coding change: c.276-2A>G on transcript NM_006516.4 (MANE Select); the canonical splice acceptor site of the intron before coding-DNA position 276, A replaced by G.
Molecular consequence: splice acceptor variant.
Genome position (GRCh38, 1-based): chr1:42,930,868, T>C on the plus strand (A>G on the coding strand, the complement: SLC2A1 is on the minus strand). VCF-style: chr1-42930868-T-C. GRCh37 (hg19) VCF-style: chr1-43396539-T-C.
Identifiers: ClinVar variation 2633819 (VCV002633819.4), dbSNP rs2524998439, ClinGen allele CA339961474.
Genomic context (GRCh38, chr1:42,930,868, plus strand): 5'-AGCCCATGAGCACGGCGGACACGAAGGCCAGCAGGTTCATCATCAGCATTGAATTCCGCC[T>C]GGGGACGGGGTCACAGGTCAGGCCAGTGCCCACATTCCTTGGGCTCCGAGGGGCTGGGTC-3'

ClinVar aggregate classification (germline): Pathogenic/Likely pathogenic. Review status: criteria provided, multiple submitters, no conflicts (2 of 4 stars). 2 submissions from 2 submitters: Pathogenic (1); Likely pathogenic (1). Last evaluated 2023-09-10.

Conditions:
SLC2A1-related disorder. Also called: SLC2A1-related condition; SLC2A1-related disorders.
GLUT1 deficiency syndrome 1, autosomal recessive. Identifiers: MedGen C3149117.

Submissions (2):

Labcorp Genetics (formerly Invitae), Labcorp
Classification: Pathogenic for GLUT1 deficiency syndrome 1, autosomal recessive. Last evaluated: 2023-09-10. Review status: criteria provided, single submitter. Criteria: Invitae Variant Classification Sherloc (09022015). Collection method: clinical testing. Allele origin: germline.
Comment: For these reasons, this variant has been classified as Pathogenic. Algorithms developed to predict the effect of sequence changes on RNA splicing suggest that this variant may disrupt the consensus splice site. Disruption of this splice site has been observed in individual(s) with SLC2A1-related conditions (PMID: 23448551, 26615598; Invitae). This variant is not present in population databases (gnomAD no frequency). This sequence change affects an acceptor splice site in intron 3 of the SLC2A1 gene. It is expected to disrupt RNA splicing. Variants that disrupt the donor or acceptor splice site typically lead to a loss of protein function (PMID: 16199547), and loss-of-function variants in SLC2A1 are known to be pathogenic (PMID: 21832227, 26193382).

PreventionGenetics, part of Exact Sciences
Classification: Likely pathogenic for SLC2A1-related condition. Last evaluated: 2023-03-28. Review status: criteria provided, single submitter. Criteria: ACMG Guidelines, 2015. Collection method: clinical testing. Allele origin: germline.
Comment: The SLC2A1 c.276-2A>G variant is predicted to disrupt the AG splice acceptor site and interfere with normal splicing. To our knowledge, this variant has not been reported in the literature or in a large population database, indicating this variant is rare. A different variant at this position (c.276-2A>C) has been reported in a patient with GLUT1 deficiency syndrome 1 (Ramm-Pettersen et al. 2013. PubMed ID: 23448551). Variants that disrupt the consensus splice acceptor site in SLC2A1 are expected to be pathogenic. This variant is interpreted as likely pathogenic.

Literature cited by the submitters: PubMed 23448551 (cited by Labcorp Genetics (formerly Invitae), Labcorp); PubMed 26615598 (cited by Labcorp Genetics (formerly Invitae), Labcorp); PubMed 16199547 (cited by Labcorp Genetics (formerly Invitae), Labcorp); PubMed 21832227 (cited by Labcorp Genetics (formerly Invitae), Labcorp); PubMed 26193382 (cited by Labcorp Genetics (formerly Invitae), Labcorp).